The following is an entry in ClinVar:

NM_000222.3(KIT):c.1861G>A (p.Ala621Thr)

Gene: KIT (KIT proto-oncogene, receptor tyrosine kinase; plus strand). Cytogenetic location: 4q12.
Variant type: single nucleotide variant.
Coding change: c.1861G>A on transcript NM_000222.3 (MANE Select); coding-DNA position 1861, G replaced by A.
Protein change: p.Ala621Thr; replaces alanine 621 with threonine.
Molecular consequence: missense variant.
Genome position (GRCh38, 1-based): chr4:54,727,909, G>A. VCF-style: chr4-54727909-G-A. GRCh37 (hg19) VCF-style: chr4-55594075-G-A.
Other names: c.1849G>A, p.Ala617Thr (NM_001093772.2, NM_001385286.1); c.1864G>A, p.Ala622Thr (NM_001385284.1, NM_001385290.1); c.1861G>A, p.Ala621Thr (NM_001385285.1); c.1852G>A, p.Ala618Thr (NM_001385288.1, NM_001385292.1); short protein forms A621T, A617T, A618T, A622T.
Identifiers: ClinVar variation 565576 (VCV000565576.12), dbSNP rs1560418178, ClinGen allele CA356908197.

ClinVar aggregate classification (germline): Pathogenic/Likely pathogenic. Review status: criteria provided, multiple submitters, no conflicts (2 of 4 stars). 2 submissions from 2 submitters: Pathogenic (1); Likely pathogenic (1). Last evaluated 2023-10-11.
ClinVar aggregate classification (somatic clinical impact): Tier II - Potential (1 of 4 stars; one submission).

Conditions:
Gastrointestinal stromal tumor. Also called: Gastrointestinal stromal tumor, somatic; Gastrointestinal stroma tumor. Identifiers: Orphanet 44890, MedGen C0238198, MeSH D046152, MONDO:0011719, OMIM 606764, HP:0100723.
Piebaldism. Also called: Piebald skin depigmentation. Identifiers: Orphanet 2884, MedGen C0080024, MONDO:0008244, OMIM 172800, HP:0007544.
IDH-wildtype glioblastoma. Identifiers: MedGen CN372125, MONDO:0850335.

Submissions (3):

Labcorp Genetics (formerly Invitae), Labcorp
Classification: Pathogenic for Gastrointestinal stromal tumor. Last evaluated: 2023-10-11. Review status: criteria provided, single submitter. Criteria: Invitae Variant Classification Sherloc (09022015). Collection method: clinical testing. Allele origin: germline.
Comment: This sequence change replaces alanine, which is neutral and non-polar, with threonine, which is neutral and polar, at codon 621 of the KIT protein (p.Ala621Thr). This variant is not present in population databases (gnomAD no frequency). This missense change has been observed in individuals with piebaldism (PMID: 7529964, 29896733; Invitae). It has also been observed to segregate with disease in related individuals. ClinVar contains an entry for this variant (Variation ID: 565576). An algorithm developed to predict the effect of missense changes on protein structure and function (PolyPhen-2) suggests that this variant is likely to be disruptive. This variant disrupts the p.Ala621 amino acid residue in KIT. Other variant(s) that disrupt this residue have been observed in individuals with KIT-related conditions (PMID: 17107413, 17124503), which suggests that this may be a clinically significant amino acid residue. For these reasons, this variant has been classified as Pathogenic.

Institute for Genomic Medicine (IGM) Clinical Laboratory, Nationwide Children's Hospital
Classification: Tier II - Potential for IDH-wildtype glioblastoma. Assertion type: diagnostic. Clinical significance: supports diagnosis. Last evaluated: 2023-01-26. Review status: criteria provided, single submitter. Criteria: AMP/ASCO/CAP Guidelines, 2017. Collection method: clinical testing. Allele origin: somatic. Affected: yes.
Comment: Variant has Tier II (potential) clinical significance as a diagnostic inclusion criterion in IDH-wildtype glioblastoma, based on the following evidence: 1) Documented in one or more cancer databases (e.g., St. Jude Pecan, COSMIC, CIViC, OncoKB). 2) Information in the literature supports potential biologic effect of variant (PMID: 7529964). 3) Assists in diagnosis alone or along with other biomarkers based on small studies or few case reports (Evidence Level D; PMID: 28966033).

Juno Genomics, Hangzhou Juno Genomics, Inc
Classification: Likely pathogenic for Piebaldism. Review status: criteria provided, single submitter. Criteria: ACMG Guidelines, 2015. Collection method: clinical testing. Allele origin: germline. Affected: yes.
Comment: Absent from controls (or at extremely low frequency if recessive) in Genome Aggregation Database, Exome Sequencing Project, 1000 Genomes Project, or Exome Aggregation Consortium.;Multiple lines of computational evidence support a deleterious effect on the gene or gene product (conservation, evolutionary, splicing impact, etc).;Missense variant in a gene that has a low rate of benign missense variation and where missense variants are a common mechanism of disease.;The prevalence of the variant in affected individuals is significantly increased compared to the prevalence in controls.;Patient's phenotype or family history is highly specific for a disease with a single genetic etiology.;Co-segregation with disease in multiple affected family members in a gene definitively known to cause the disease.

Literature cited by the submitters: PubMed 7529964 (cited by Labcorp Genetics (formerly Invitae), Labcorp and Institute for Genomic Medicine (IGM) Clinical Laboratory, Nationwide Children's Hospital); PubMed 29896733 (cited by Labcorp Genetics (formerly Invitae), Labcorp); PubMed 17107413 (cited by Labcorp Genetics (formerly Invitae), Labcorp); PubMed 17124503 (cited by Labcorp Genetics (formerly Invitae), Labcorp); PubMed 28966033 (cited by Institute for Genomic Medicine (IGM) Clinical Laboratory, Nationwide Children's Hospital).